The following is an entry in ClinVar:

NM_003849.3(SUCLG1):c.-39C>G

Gene: SUCLG1 (succinate-CoA ligase GDP/ADP-forming subunit alpha; minus strand). Cytogenetic location: 2p11.2.
Variant type: single nucleotide variant.
Coding change: c.-39C>G on transcript NM_003849.3; 39 bases upstream of the start codon, C replaced by G.
Genome position (GRCh38, 1-based): chr2:84,459,308, G>C on the plus strand (C>G on the coding strand, the complement: SUCLG1 is on the minus strand). VCF-style: chr2-84459308-G-C. GRCh37 (hg19) VCF-style: chr2-84686432-G-C.
Identifiers: ClinVar variation 337164 (VCV000337164.9), dbSNP rs144946502, ClinGen allele CA1736459.
Genomic context (GRCh38, chr2:84,459,308, plus strand): 5'-CAGCGGCAAGGGTTGCGGTCATACGCCAATGACACTCCCAGGCCCCCGGGGACCTCCCAG[G>C]GGCAGAGGCCGGAGGAGGCAGAGGGTGGCCACAGCAGTCGCCTGAACAAATTTCCCTTTA-3'

ClinVar aggregate classification (germline): Benign. Review status: criteria provided, single submitter (1 of 4 stars). 2 submissions from 2 submitters: Benign (1). 1 of the submissions does not count toward it. Last evaluated 2015-06-04.

Conditions:
SUCLG1-related disorder. Also called: SUCLG1-related condition.

Allele frequency attached by ClinVar (database versions not stated): ESP Exome Variant Server 0.00063; TOPMed 0.00047.

Submissions (2):

GeneDx
Classification: Benign. Last evaluated: 2015-06-04. Review status: criteria provided, single submitter. Criteria: GeneDx Variant Classification (06012015). Collection method: clinical testing. Allele origin: germline. Affected: yes.
Comment: This variant is considered likely benign or benign based on one or more of the following criteria: it is a conservative change, it occurs at a poorly conserved position in the protein, it is predicted to be benign by multiple in silico algorithms, and/or has population frequency not consistent with disease.

PreventionGenetics, part of Exact Sciences
Classification: Likely benign for SUCLG1-related condition. Last evaluated: 2022-01-31. Review status: no assertion criteria provided. Collection method: clinical testing. Allele origin: germline. Not counted in ClinVar's aggregate classification.
Comment: This variant is classified as likely benign based on ACMG/AMP sequence variant interpretation guidelines (Richards et al. 2015 PMID: 25741868, with internal and published modifications).